The following is an entry in ClinVar:

ClinVar aggregate classification (germline): Likely pathogenic (1 of 4 stars; one submission).

Conditions:
Dilated cardiomyopathy 1G (CMD1G). Identifiers: Orphanet 154, MedGen C1858763, MONDO:0011400, OMIM 604145.
Autosomal recessive limb-girdle muscular dystrophy type 2J (LGMDR10). Also called: Limb-girdle muscular dystrophy, type 2J; MUSCULAR DYSTROPHY, LIMB-GIRDLE, AUTOSOMAL RECESSIVE 10. Identifiers: Orphanet 140922, MedGen C1837342, MONDO:0012127, OMIM 608807.

Submission:

Labcorp Genetics (formerly Invitae), Labcorp
Classification: Likely pathogenic for Dilated cardiomyopathy 1G; Autosomal recessive limb-girdle muscular dystrophy type 2J. Last evaluated: 2024-03-08. Review status: criteria provided, single submitter. Criteria: Invitae Variant Classification Sherloc (09022015). Collection method: clinical testing. Allele origin: germline.
Comment: This sequence change creates a premature translational stop signal (p.Ser3773Leufs*22) in the TTN gene. While this is not anticipated to result in nonsense mediated decay, it is expected to create a truncated TTN protein. This variant is not present in population databases (gnomAD no frequency). This variant has not been reported in the literature in individuals affected with TTN-related conditions. This variant is located in the I band of TTN (PMID: 25589632). Truncating variants in this region have been reported in individuals affected with autosomal recessive centronuclear myopathy (PMID: 23975875, Invitae internal data). Truncating variants in this region have also been identified in individuals affected with autosomal dominant dilated cardiomyopathy and/or cardio-related conditions (PMID: 27869827, 32964742, Invitae internal data). In summary, the currently available evidence indicates that the variant is pathogenic, but additional data are needed to prove that conclusively. Therefore, this variant has been classified as Likely Pathogenic.

Literature cited by the submitters: PubMed 25589632; PubMed 23975875; PubMed 27869827; PubMed 32964742.

NM_001267550.2(TTN):c.11317del (p.Ser3773fs)

Gene: TTN (titin; minus strand). Cytogenetic location: 2q31.2.
Variant type: Deletion.
Coding change: c.11317del on transcript NM_001267550.2 (MANE Select); coding-DNA position 11317, one base deleted (T; older notation c.11317delT).
Protein change: p.Ser3773fs; shifts the reading frame from serine 3773.
Molecular consequence: frameshift variant. On other transcripts: intron variant (1).
Genome position (GRCh38, 1-based): chr2:178,741,916, A deleted on the plus strand (T on the coding strand, the reverse complement: TTN is on the minus strand); the first of 4 consecutive A bases (chr2:178,741,916-178,741,919); deleting any one gives the same sequence. VCF-style (leftmost placement, unchanged base first): chr2-178741915-GA-G. GRCh37 (hg19) VCF-style: chr2-179606642-GA-G.
Other names: c.10366del, p.Ser3456fs (NM_001256850.1); c.10228del, p.Ser3410fs (NM_003319.4); c.10603del, p.Ser3535fs (NM_133432.3); c.10804del, p.Ser3602fs (NM_133437.4); c.10361-3556del (NM_133378.4); short protein forms S3410fs, S3456fs, S3535fs, S3602fs, S3773fs.
Identifiers: ClinVar variation 3755184 (VCV003755184.2).